The following is an entry in ClinVar:

NM_012079.6(DGAT1):c.176_178dup (p.Val59_Gly60insVal)

Gene: DGAT1 (diacylglycerol O-acyltransferase 1; minus strand). Cytogenetic location: 8q24.3.
Variant type: Duplication.
Coding change: c.176_178dup on transcript NM_012079.6 (MANE Select); coding-DNA positions 176 to 178, 3 bases duplicated (TGG; older notation c.176_178dupTGG).
Protein change: p.Val59_Gly60insVal.
Molecular consequence: inframe insertion.
Genome position (GRCh38, 1-based): chr8:144,326,459-144,326,461, CCA duplicated on the plus strand (TGG on the coding strand, the reverse complement: DGAT1 is on the minus strand); duplicating any 3 consecutive bases within chr8:144,326,459-144,326,462 gives the same sequence; the c. name uses the placement nearest the transcript's 3' end. VCF-style (leftmost placement, unchanged base first): chr8-144326458-C-CCCA. GRCh37 (hg19) VCF-style: chr8-145550121-C-CCCA.
Identifiers: ClinVar variation 2100985 (VCV002100985.4), dbSNP rs1817594675, ClinGen allele CA1826257477.

ClinVar aggregate classification (germline): Uncertain significance (1 of 4 stars; one submission).

Submission:

Labcorp Genetics (formerly Invitae), Labcorp
Classification: Uncertain significance. Last evaluated: 2022-02-21. Review status: criteria provided, single submitter. Criteria: Invitae Variant Classification Sherloc (09022015). Collection method: clinical testing. Allele origin: germline.
Comment: This variant has not been reported in the literature in individuals affected with DGAT1-related conditions. In summary, the available evidence is currently insufficient to determine the role of this variant in disease. Therefore, it has been classified as a Variant of Uncertain Significance. This variant is not present in population databases (gnomAD no frequency). This variant, c.176_178dup, results in the insertion of 1 amino acid(s) of the DGAT1 protein (p.Val59dup), but otherwise preserves the integrity of the reading frame.